The following is an entry in ClinVar:

ClinVar aggregate classification (germline): Uncertain significance. Review status: criteria provided, multiple submitters, no conflicts (2 of 4 stars). 2 submissions from 2 submitters: Uncertain significance (2). Last evaluated 2025-05-24.

Conditions:
Hereditary cancer-predisposing syndrome. Also called: Hereditary Cancer Syndrome; Tumor predisposition; Hereditary neoplastic syndrome; Neoplastic Syndromes, Hereditary. Identifiers: Orphanet 140162, MedGen C0027672, MeSH D009386, MONDO:0015356.

Allele frequency attached by ClinVar (database versions not stated): TOPMed below 0.00001; gnomAD 0.00001; ExAC 0.00002.

Submissions (2):

Ambry Genetics
Classification: Uncertain significance for Hereditary cancer-predisposing syndrome. Last evaluated: 2025-05-24. Review status: criteria provided, single submitter. Criteria: Ambry Variant Classification Scheme 2023. Collection method: clinical testing. Allele origin: germline.
Comment: The p.H241Y variant (also known as c.721C>T), located in coding exon 5 of the NTHL1 gene, results from a C to T substitution at nucleotide position 721. The histidine at codon 241 is replaced by tyrosine, an amino acid with similar properties. This amino acid position is conserved. In addition, this alteration is predicted to be deleterious by in silico analysis. Based on the available evidence, the clinical significance of this variant remains unclear.

Labcorp Genetics (formerly Invitae), Labcorp
Classification: Uncertain significance. Last evaluated: 2023-01-20. Review status: criteria provided, single submitter. Criteria: Invitae Variant Classification Sherloc (09022015). Collection method: clinical testing. Allele origin: germline.
Comment: This sequence change replaces histidine, which is basic and polar, with tyrosine, which is neutral and polar, at codon 241 of the NTHL1 protein (p.His241Tyr). This variant is present in population databases (rs757590964, gnomAD 0.003%). This variant has not been reported in the literature in individuals affected with NTHL1-related conditions. An algorithm developed to predict the effect of missense changes on protein structure and function (PolyPhen-2) suggests that this variant is likely to be disruptive. In summary, the available evidence is currently insufficient to determine the role of this variant in disease. Therefore, it has been classified as a Variant of Uncertain Significance.

NM_002528.7(NTHL1):c.697C>T (p.His233Tyr)

Gene: NTHL1 (nth like DNA glycosylase 1; minus strand). Cytogenetic location: 16p13.3.
Variant type: single nucleotide variant.
Coding change: c.697C>T on transcript NM_002528.7 (MANE Select); coding-DNA position 697, C replaced by T.
Protein change: p.His233Tyr; replaces histidine 233 with tyrosine.
Molecular consequence: missense variant.
Genome position (GRCh38, 1-based): chr16:2,040,227, G>A on the plus strand (C>T on the coding strand, the complement: NTHL1 is on the minus strand). VCF-style: chr16-2040227-G-A. GRCh37 (hg19) VCF-style: chr16-2090228-G-A.
Other names: c.526C>T, p.His176Tyr (NM_001318193.2); c.367C>T, p.His123Tyr (NM_001318194.2); c.721C>T (NM_002528.5); short protein forms H123Y, H176Y, H233Y.
Identifiers: ClinVar variation 2913148 (VCV002913148.4), dbSNP rs757590964, ClinGen allele CA7828138.